The following is an entry in ClinVar:

ClinVar aggregate classification (germline): Likely benign (0 of 4 stars; one submission).

Conditions:
LINGO1-related disorder. Also called: LINGO1-related condition.

Allele frequency attached by ClinVar (database versions not stated): gnomAD exomes 0.00011; ExAC 0.00052; gnomAD 0.00066; TOPMed 0.00076; 1000 Genomes Project 0.00120; 1000 Genomes Project 30x 0.00125.
gnomAD v4.1: 246 of 1,434,492 alleles (0.017%); highest among the groups gnomAD compares: Middle Eastern, 0.22%; no homozygotes.

Submission:

PreventionGenetics, part of Exact Sciences
Classification: Likely benign for LINGO1-related condition. Last evaluated: 2019-08-12. Review status: no assertion criteria provided. Collection method: clinical testing. Allele origin: germline.
Comment: This variant is classified as likely benign based on ACMG/AMP sequence variant interpretation guidelines (Richards et al. 2015 PMID: 25741868, with internal and published modifications).

NM_032808.7(LINGO1):c.6+9G>A

Gene: LINGO1 (leucine rich repeat and Ig domain containing 1; minus strand). Cytogenetic location: 15q24.3.
Variant type: single nucleotide variant.
Coding change: c.6+9G>A on transcript NM_032808.7 (MANE Select); 9 bases into the intron after coding-DNA position 6, G replaced by A.
Molecular consequence: intron variant.
Genome position (GRCh38, 1-based): chr15:77,632,301, C>T on the plus strand (G>A on the coding strand, the complement: LINGO1 is on the minus strand). VCF-style: chr15-77632301-C-T. GRCh37 (hg19) VCF-style: chr15-77924643-C-T.
Other names: c.-12-16401G>A (NM_001301186.2, NM_001301187.2, NM_001301189.2 and 8 more transcripts).
Identifiers: ClinVar variation 3035775 (VCV003035775.2), dbSNP rs574047775, ClinGen allele CA7678057.